The following is an entry in ClinVar:

ClinVar aggregate classification (germline): Uncertain significance (1 of 4 stars; one submission).

Submission:

GeneDx
Classification: Uncertain significance. Last evaluated: 2025-05-30. Review status: criteria provided, single submitter. Criteria: GeneDx Variant Classification Process June 2021. Collection method: clinical testing. Allele origin: germline.
Comment: Not observed at significant frequency in large population cohorts (gnomAD); In silico analysis supports that this missense variant has a deleterious effect on protein structure/function; Has not been previously published as pathogenic or benign to our knowledge

NM_003482.4(KMT2D):c.5114A>T (p.Lys1705Ile)

Gene: KMT2D (lysine methyltransferase 2D; minus strand). Cytogenetic location: 12q13.12.
Variant type: single nucleotide variant.
Coding change: c.5114A>T on transcript NM_003482.4 (MANE Select); coding-DNA position 5114, A replaced by T.
Protein change: p.Lys1705Ile; replaces lysine 1705 with isoleucine.
Molecular consequence: missense variant.
Genome position (GRCh38, 1-based): chr12:49,044,274, T>A on the plus strand (A>T on the coding strand, the complement: KMT2D is on the minus strand). VCF-style: chr12-49044274-T-A. GRCh37 (hg19) VCF-style: chr12-49438057-T-A.
Other names: short protein forms K1705I.
Identifiers: ClinVar variation 3391701 (VCV003391701.2).